The following is an entry in ClinVar:

ClinVar aggregate classification (germline): Conflicting classifications of pathogenicity. Review status: criteria provided, conflicting classifications (1 of 4 stars). 8 submissions from 8 submitters: Uncertain significance (4); Likely benign (4). Last evaluated 2026-07-21.

Conditions:
CDKN2A-related disorder. Also called: CDKN2A-related condition.
Familial melanoma. Also called: Hereditary melanoma; Hereditary cutaneous melanoma. Identifiers: Orphanet 618, MedGen C1512419, MONDO:0018961.
Hereditary cancer-predisposing syndrome. Also called: Hereditary Cancer Syndrome; Tumor predisposition; Hereditary neoplastic syndrome; Neoplastic Syndromes, Hereditary. Identifiers: Orphanet 140162, MedGen C0027672, MeSH D009386, MONDO:0015356.

Allele frequency attached by ClinVar (database versions not stated): TOPMed 0.00001; gnomAD 0.00002; ESP Exome Variant Server 0.00008.

Submissions (8):

PreventionGenetics, part of Exact Sciences
Classification: Likely benign for CDKN2A-related condition. Last evaluated: 2026-07-21. Review status: criteria provided, single submitter. Criteria: ACMG Guidelines, 2015. Collection method: clinical testing. Allele origin: germline.
Comment: This variant is classified as likely benign based on ACMG/AMP sequence variant interpretation guidelines (Richards et al. 2015 PMID: 25741868, with internal and published modifications).

Labcorp Genetics (formerly Invitae), Labcorp
Classification: Likely benign for Familial melanoma. Last evaluated: 2026-01-24. Review status: criteria provided, single submitter. Criteria: Invitae Variant Classification Sherloc (09022015). Collection method: clinical testing. Allele origin: germline.

Quest Diagnostics Nichols Institute San Juan Capistrano
Classification: Uncertain significance. Last evaluated: 2025-08-08. Review status: criteria provided, single submitter. Criteria: Quest Diagnostics criteria. Collection method: clinical testing. Allele origin: unknown.
Comment: The CDKN2A (P16-INK4A) c.198C>T (p.His66=) synonymous variant (also known as NM_058195.4:c.241C>T (p.Arg81Trp) in CDKN2A (P14-ARF)) has been reported in the published literature in an individual affected with melanoma (PMID: 16374456 (2006)) and was identified in metastatic tissue from an individual affected with breast cancer (PMID: 27095739 (2016)). The frequency of this variant in the general population (Genome Aggregation Database) is uninformative in the assessment of its pathogenicity. Analysis of this variant using software algorithms for the prediction of the effect of nucleotide changes on splicing yielded predictions that this variant does not affect CDKN2A (P16-INK4A) mRNA splicing (Alamut Visual). Analysis of the variant using bioinformatics tools (e.g. MutationTaster and PolyPhen-2) for the prediction of the effect of CDKN2A (P14-ARF) amino acid changes on protein structure and function yielded predictions that this variant is damaging. Based on the available information, we are unable to determine the clinical significance of this variant.

Center for Genomic Medicine, Rigshospitalet, Copenhagen University Hospital
Classification: Likely benign. Last evaluated: 2025-03-04. Review status: criteria provided, single submitter. Criteria: ACMG Guidelines, 2015. Collection method: clinical testing. Allele origin: germline.

Ambry Genetics
Classification: Uncertain significance for Hereditary cancer-predisposing syndrome. Last evaluated: 2025-01-03. Review status: criteria provided, single submitter. Criteria: Ambry Variant Classification Scheme 2023. Collection method: clinical testing. Allele origin: germline.
Comment: The c.198C>T variant (also known as p.H66H), located in coding exon 2 of the p16 isoform (NM_000077) of the CDKN2A gene, results from a C to T substitution at nucleotide position 198. This nucleotide substitution does not change the histidine at codon 66. This variant has been reported in an individual with early-onset melanoma (Stratigos AJ et al. J Invest Dermatol, 2006 Feb;126:399-401). This nucleotide position is not well conserved in available vertebrate species and in silico splice site analysis predicts that this alteration will not have any significant effect on splicing. However, this variant is also known as c.241C>T p.R81W in the p14 isoform (NM_058195) of CDKN2A, in which this variant results in a C to T substitution at nucleotide position 241, replacing the arginine at amino acid 81 with tryptophan, an amino acid with dissimilar properties. This amino acid is well conserved in this transcript. Since supporting evidence is limited at this time, the clinical significance of this alteration remains unclear.

Blueprint Genetics
Classification: Uncertain significance. Last evaluated: 2024-08-14. Review status: criteria provided, single submitter. Criteria: ACMG Guidelines, 2015. Collection method: clinical testing. Allele origin: germline.

GeneDx
Classification: Uncertain significance. Last evaluated: 2022-07-20. Review status: criteria provided, single submitter. Criteria: GeneDx Variant Classification Process June 2021. Collection method: clinical testing. Allele origin: germline. Affected: yes.
Comment: This variant in the p14-ARF isoform also results in a likely benign variant in the p16 protein, p.His66=; In silico analysis supports that this variant does not alter splicing; This variant is associated with the following publications: (PMID: 27095739, 16374456, 26104880)

Color Diagnostics, LLC DBA Color Health
Classification: Likely benign for Hereditary cancer-predisposing syndrome. Last evaluated: 2017-05-25. Review status: criteria provided, single submitter. Criteria: ACMG Guidelines, 2015. Collection method: clinical testing. Allele origin: germline.

Literature cited by the submitters: PubMed 35446184 (cited by Quest Diagnostics Nichols Institute San Juan Capistrano); PubMed 27095739 (cited by Quest Diagnostics Nichols Institute San Juan Capistrano); PubMed 26104880 (cited by Quest Diagnostics Nichols Institute San Juan Capistrano); PubMed 16374456 (cited by Quest Diagnostics Nichols Institute San Juan Capistrano and Ambry Genetics).

NM_000077.5(CDKN2A):c.198C>T (p.His66=)

Gene: CDKN2A (cyclin dependent kinase inhibitor 2A; minus strand). Cytogenetic location: 9p21.3.
Variant type: single nucleotide variant.
Coding change: c.198C>T on transcript NM_000077.5; coding-DNA position 198, C replaced by T.
Protein change: p.His66=; no amino-acid change (histidine 66 retained).
Molecular consequence: synonymous variant (on NM_000077.6). On other transcripts: missense variant (1), 3 prime UTR variant (1).
Genome position (GRCh38, 1-based): chr9:21,971,161, G>A on the plus strand (C>T on the coding strand, the complement: CDKN2A is on the minus strand). VCF-style: chr9-21971161-G-A. GRCh37 (hg19) VCF-style: chr9-21971160-G-A.
Other names: c.198C>T, p.His66= (NM_000077.6, NM_001195132.2); c.45C>T, p.His15= (NM_001363763.2); c.241C>T, p.Arg81Trp (NM_058195.4); c.*121C>T (NM_058197.5); short protein forms R81W.
Identifiers: ClinVar variation 414092 (VCV000414092.23), dbSNP rs374984975, ClinGen allele CA5012210.